The following is an entry in ClinVar:

ClinVar aggregate classification (germline): Uncertain significance (1 of 4 stars; one submission).

Conditions:
Xanthinuria type II. Also called: Xanthine dehydrogenase and aldehyde oxidase combined deficiency of; XDH and AOX dual deficiency. Identifiers: Orphanet 3467, Orphanet 93602, MedGen C1863688, MONDO:0011346, OMIM 603592.

Submission:

Labcorp Genetics (formerly Invitae), Labcorp
Classification: Uncertain significance for Xanthinuria type II. Last evaluated: 2024-06-03. Review status: criteria provided, single submitter. Criteria: Invitae Variant Classification Sherloc (09022015). Collection method: clinical testing. Allele origin: germline.
Comment: This sequence change replaces isoleucine, which is neutral and non-polar, with valine, which is neutral and non-polar, at codon 389 of the MOCOS protein (p.Ile389Val). Information on the frequency of this variant in the gnomAD database is not available, as this variant may be reported differently in the database. This variant has not been reported in the literature in individuals affected with MOCOS-related conditions. ClinVar contains an entry for this variant (Variation ID: 1993667). Experimental studies and prediction algorithms are not available or were not evaluated, and the functional significance of this variant is currently unknown. In summary, the available evidence is currently insufficient to determine the role of this variant in disease. Therefore, it has been classified as a Variant of Uncertain Significance.

NM_017947.4(MOCOS):c.1164_1165delinsGG (p.Ile389Val)

Gene: MOCOS (molybdenum cofactor sulfurase; plus strand). Cytogenetic location: 18q12.2.
Variant type: Indel.
Coding change: c.1164_1165delinsGG on transcript NM_017947.4 (MANE Select); coding-DNA positions 1164 to 1165, AA replaced by GG.
Protein change: p.Ile389Val; replaces isoleucine 389 with valine.
Molecular consequence: missense variant.
Genome position (GRCh38, 1-based): chr18:36,205,222-36,205,223, AA replaced by GG. VCF-style: chr18-36205222-AA-GG. GRCh37 (hg19) VCF-style: chr18-33785185-AA-GG.
Other names: short protein forms I389V.
Identifiers: ClinVar variation 1993667 (VCV001993667.4), dbSNP rs2511393150, ClinGen allele CA2580095690.